The following is an entry in ClinVar:

ClinVar aggregate classification (germline): Likely pathogenic (1 of 4 stars; one submission).

Conditions:
Ellis-van Creveld syndrome (EVC). Also called: EVC-Related Ellis-van Creveld Syndrome; EVC2-Related Ellis-van Creveld Syndrome; Chondroectodermal dysplasia; MESOECTODERMAL DYSPLASIA. Identifiers: Orphanet 289, MedGen C0013903, MONDO:0009162, OMIM 225500.
Curry-Hall syndrome (WAD). Also called: WEYERS ACRODENTAL DYSOSTOSIS. Identifiers: Orphanet 952, MedGen C0457013, MONDO:0008673, OMIM 193530.

Submission:

Labcorp Genetics (formerly Invitae), Labcorp
Classification: Likely pathogenic for Curry-Hall syndrome; Ellis-van Creveld syndrome. Last evaluated: 2022-01-25. Review status: criteria provided, single submitter. Criteria: Invitae Variant Classification Sherloc (09022015). Collection method: clinical testing. Allele origin: germline.
Comment: This variant results in the deletion of part of exon 1 (c.56_174+42del) of the EVC gene. It is expected to disrupt RNA splicing. Variants that disrupt the donor or acceptor splice site typically lead to a loss of protein function (PMID: 16199547), and loss-of-function variants in EVC are known to be pathogenic (PMID: 23220543). In summary, the currently available evidence indicates that the variant is pathogenic, but additional data are needed to prove that conclusively. Therefore, this variant has been classified as Likely Pathogenic. This variant has not been reported in the literature in individuals affected with EVC-related conditions. The frequency data for this variant in the population databases is considered unreliable, as metrics indicate insufficient coverage at this position in the gnomAD database.

Literature cited by the submitters: PubMed 16199547; PubMed 23220543.

NM_153717.3(EVC):c.56_174+42del

Gene: EVC (EvC ciliary complex subunit 1; plus strand). Cytogenetic location: 4p16.2.
Variant type: Deletion.
Coding change: c.56_174+42del on transcript NM_153717.3 (MANE Select); coding-DNA position 56 through 42 bases into the intron after coding-DNA position 174, 161 bases deleted.
Molecular consequence: splice donor variant.
Genome position (GRCh38, 1-based): chr4:5,711,436-5,711,596, 161 bases deleted. GRCh37 (hg19): chr4:5,713,163-5,713,323.
Other names: c.56_174+42del (NM_001306090.2, NM_001306092.2).
Identifiers: ClinVar variation 2089388 (VCV002089388.4), dbSNP rs2474193391, ClinGen allele CA2580070804.